The following is an entry in ClinVar:

ClinVar aggregate classification (germline): Likely benign. Review status: criteria provided, multiple submitters, no conflicts (2 of 4 stars). 4 submissions from 4 submitters: Likely benign (4). Last evaluated 2025-11-18.

Conditions:
RASopathy. Also called: rasopathies; Noonan spectrum disorder. Identifiers: Orphanet 536391, MedGen C5555857, MONDO:0021060.
PTPN11-related disorder. Also called: PTPN11-Related Disorders.
Noonan syndrome 1 (NS1). Also called: PTPN11-Related Noonan Syndrome; TURNER PHENOTYPE WITH NORMAL KARYOTYPE; FEMALE PSEUDO-TURNER SYNDROME. Identifiers: Orphanet 648, MedGen C4551602, MONDO:0008104, OMIM 163950. Disease mechanism: gain of function.
Metachondromatosis (METCDS). Identifiers: Orphanet 2499, MedGen C0410530, MONDO:0007979, OMIM 156250.
LEOPARD syndrome 1 (LPRD1). Also called: LENTIGINOSIS, CARDIOMYOPATHIC; MULTIPLE LENTIGINES SYNDROME; PTPN11-Related LEOPARD Syndrome. Identifiers: Orphanet 500, MedGen C4551484, MONDO:0100082, OMIM 151100.
Juvenile myelomonocytic leukemia (JMML). Also called: LEUKEMIA, JUVENILE MYELOMONOCYTIC, SOMATIC. Identifiers: Orphanet 86834, MedGen C0349639, MONDO:0011908, OMIM 607785, HP:0012209.
Cardiovascular phenotype. Identifiers: MedGen CN230736.

Allele frequency attached by ClinVar (database versions not stated): gnomAD exomes below 0.00001 and 0.00001; TOPMed below 0.00001; gnomAD 0.00001.
gnomAD v4.1: 16 of 1,613,806 alleles (0.00099%); highest among the groups gnomAD compares: Non-Finnish European, 0.0012%; 1 homozygote.

Submissions (4):

PreventionGenetics, part of Exact Sciences
Classification: Likely benign for PTPN11-related condition. Last evaluated: 2025-11-18. Review status: criteria provided, single submitter. Criteria: ACMG Guidelines, 2015. Collection method: clinical testing. Allele origin: germline.
Comment: This variant is classified as likely benign based on ACMG/AMP sequence variant interpretation guidelines (Richards et al. 2015 PMID: 25741868, with internal and published modifications).

Labcorp Genetics (formerly Invitae), Labcorp
Classification: Likely benign for RASopathy. Last evaluated: 2025-09-29. Review status: criteria provided, single submitter. Criteria: Invitae Variant Classification Sherloc (09022015). Collection method: clinical testing. Allele origin: germline.

Ambry Genetics
Classification: Likely benign for Cardiovascular phenotype. Last evaluated: 2024-11-25. Review status: criteria provided, single submitter. Criteria: Ambry Variant Classification Scheme 2023. Collection method: clinical testing. Allele origin: germline.

Fulgent Genetics
Classification: Likely benign for LEOPARD syndrome 1; Metachondromatosis; Noonan syndrome 1; Juvenile myelomonocytic leukemia. Last evaluated: 2021-08-03. Review status: criteria provided, single submitter. Criteria: ACMG Guidelines, 2015. Collection method: clinical testing. Allele origin: unknown.

NM_002834.5(PTPN11):c.1233G>A (p.Thr411=)

Gene: PTPN11 (protein tyrosine phosphatase non-receptor type 11; plus strand). Cytogenetic location: 12q24.13.
Variant type: single nucleotide variant.
Coding change: c.1233G>A on transcript NM_002834.5 (MANE Select); coding-DNA position 1233, G replaced by A.
Protein change: p.Thr411=; no amino-acid change (threonine 411 retained).
Molecular consequence: synonymous variant.
Genome position (GRCh38, 1-based): chr12:112,486,483, G>A. VCF-style: chr12-112486483-G-A. GRCh37 (hg19) VCF-style: chr12-112924287-G-A.
Other names: c.1245G>A, p.Thr415= (NM_001330437.2); c.1230G>A, p.Thr410= (NM_001374625.1); c.1233G>A, p.Thr411= (NM_080601.3); c.1233G>A (NM_002834.3, NM_002834.4).
Identifiers: ClinVar variation 1553042 (VCV001553042.11), dbSNP rs1325353647, ClinGen allele CA481880764.
Genomic context (GRCh38, chr12:112,486,483, plus strand): 5'-CAACCTCTTGATTTATTTAATTCTTTTCTGGTTTTTCTTGGCTCTACTCCAGGGGAATAC[G>A]GAGAGAACGGTCTGGCAATACCACTTTCGGACCTGGCCGGACCACGGCGTGCCCAGCGAC-3'
Protein context (NP_002825.3, residues 401-421): LKLSKVGQGN[Thr411=]ERTVWQYHFR